The following is an entry in ClinVar:

NM_018006.5(TRMU):c.256_257del (p.Leu86fs)

Gene: TRMU (tRNA mitochondrial 2-thiouridylase; plus strand). Cytogenetic location: 22q13.31.
Variant type: Deletion.
Coding change: c.256_257del on transcript NM_018006.5 (MANE Select); coding-DNA positions 256 to 257, 2 bases deleted (TT; older notation c.256_257delTT).
Protein change: p.Leu86fs; shifts the reading frame from leucine 86.
Molecular consequence: frameshift variant. On other transcripts: non-coding transcript variant (1), intron variant (3).
Genome position (GRCh38, 1-based): chr22:46,343,269-46,343,270, TT deleted; deleting any 2 consecutive bases within chr22:46,343,266-46,343,270 gives the same sequence; the c. name uses the placement nearest the transcript's 3' end. VCF-style (leftmost placement, unchanged base first): chr22-46343265-CTT-C. GRCh37 (hg19) VCF-style: chr22-46739162-CTT-C.
Other names: c.256_257del, p.Leu86fs (NM_001282785.2); c.14-3153_14-3152del (NM_001282782.2); c.-6-3153_-6-3152del (NM_001282783.2, NM_001282784.2); short protein forms L86fs.
Identifiers: ClinVar variation 5013656 (VCV005013656.1).
Genomic context (GRCh38, chr22:46,343,265, plus strand): 5'-TTTTTTTTTTGAGGAATGTTTCACACTTGGAACTGAAGTCATTTTCTTTTATTCTAGTGA[CTT>C]TTTGAATGAGTATGAAAAAGGAAGGACTCCCAATCCTGACATAGTTTGCAACAAGCACAT-3'

ClinVar aggregate classification (germline): Pathogenic (1 of 4 stars; one submission).

Conditions:
Acute infantile liver failure due to synthesis defect of mtDNA-encoded proteins. Also called: Liver failure acute infantile; LIVER FAILURE, INFANTILE, TRANSIENT; TRMU Deficiency. Identifiers: Orphanet 217371, MedGen C3278664, MONDO:0013111, OMIM 613070.

Submission:

Myriad Genetics, Inc.
Classification: Pathogenic for Acute infantile liver failure due to synthesis defect of mtDNA-encoded proteins. Last evaluated: 2024-10-19. Review status: criteria provided, single submitter. Criteria: Myriad Autosomal Dominant, Autosomal Recessive and X-Linked Classification Criteria (2023). Collection method: clinical testing. Allele origin: unknown.
Comment: NM_018006.4(TRMU):c.256_257delTT(L86Efs*2) is expected to be pathogenic in the context of acute liver failure, TRMU-related. This variant is predicted to lead to an abnormal or absent protein product due to the creation of a premature termination codon in TRMU, a gene where loss-of-function variants are known to be pathogenic. Please note: this variant was assessed in the context of healthy population screening.